The following is an entry in ClinVar:

NM_001252024.2(TRPM1):c.230C>T (p.Ser77Phe)

Gene: TRPM1 (transient receptor potential cation channel subfamily M member 1; minus strand). Cytogenetic location: 15q13.3.
Variant type: single nucleotide variant.
Coding change: c.230C>T on transcript NM_001252024.2 (MANE Select); coding-DNA position 230, C replaced by T.
Protein change: p.Ser77Phe; replaces serine 77 with phenylalanine.
Molecular consequence: missense variant.
Genome position (GRCh38, 1-based): chr15:31,070,080, G>A on the plus strand (C>T on the coding strand, the complement: TRPM1 is on the minus strand). VCF-style: chr15-31070080-G-A. GRCh37 (hg19) VCF-style: chr15-31362283-G-A.
Other names: c.281C>T, p.Ser94Phe (NM_001252020.2); c.164C>T, p.Ser55Phe (NM_001252030.2, NM_002420.6); short protein forms S55F, S77F, S94F.
Identifiers: ClinVar variation 1510626 (VCV001510626.6), dbSNP rs2140967035, ClinGen allele CA391537035.

ClinVar aggregate classification (germline): Uncertain significance (1 of 4 stars; one submission).

Submission:

Labcorp Genetics (formerly Invitae), Labcorp
Classification: Uncertain significance. Last evaluated: 2022-06-03. Review status: criteria provided, single submitter. Criteria: Invitae Variant Classification Sherloc (09022015). Collection method: clinical testing. Allele origin: germline.
Comment: This sequence change replaces serine, which is neutral and polar, with phenylalanine, which is neutral and non-polar, at codon 55 of the TRPM1 protein (p.Ser55Phe). This variant is not present in population databases (gnomAD no frequency). This variant has not been reported in the literature in individuals affected with TRPM1-related conditions. ClinVar contains an entry for this variant (Variation ID: 1510626). Algorithms developed to predict the effect of missense changes on protein structure and function are either unavailable or do not agree on the potential impact of this missense change (SIFT: "Deleterious"; PolyPhen-2: "Benign"; Align-GVGD: "Class C0"). In summary, the available evidence is currently insufficient to determine the role of this variant in disease. Therefore, it has been classified as a Variant of Uncertain Significance.